The following is an entry in ClinVar:

NM_004360.5(CDH1):c.1145G>A (p.Gly382Asp)

Gene: CDH1 (cadherin 1; plus strand). Cytogenetic location: 16q22.1.
Variant type: single nucleotide variant.
Coding change: c.1145G>A on transcript NM_004360.5 (MANE Select); coding-DNA position 1145, G replaced by A.
Protein change: p.Gly382Asp; replaces glycine 382 with aspartic acid.
Molecular consequence: missense variant. On other transcripts: 5 prime UTR variant (2), intron variant (1).
Genome position (GRCh38, 1-based): chr16:68,813,320, G>A. VCF-style: chr16-68813320-G-A. GRCh37 (hg19) VCF-style: chr16-68847223-G-A.
Other names: c.-471G>A (NM_001317185.2); c.-675G>A (NM_001317186.2); c.1137+1057G>A (NM_001317184.2); short protein forms G382D.
Identifiers: ClinVar variation 2587430 (VCV002587430.2), dbSNP rs1567507684, ClinGen allele CA396461025.

ClinVar aggregate classification (germline): Uncertain significance (1 of 4 stars; one submission).

Conditions:
Hereditary cancer-predisposing syndrome. Also called: Tumor predisposition; Hereditary Cancer Syndrome; Hereditary neoplastic syndrome; Neoplastic Syndromes, Hereditary. Identifiers: Orphanet 140162, MedGen C0027672, MeSH D009386, MONDO:0015356.

Submission:

Ambry Genetics
Classification: Uncertain significance for Hereditary cancer-predisposing syndrome. Last evaluated: 2023-07-14. Review status: criteria provided, single submitter. Criteria: Ambry Variant Classification Scheme 2023. Collection method: clinical testing. Allele origin: germline.
Comment: The p.G382D variant (also known as c.1145G>A), located in coding exon 9 of the CDH1 gene, results from a G to A substitution at nucleotide position 1145. The glycine at codon 382 is replaced by aspartic acid, an amino acid with similar properties. This amino acid position is not well conserved in available vertebrate species. In addition, the in silico prediction for this alteration is inconclusive. Since supporting evidence is limited at this time, the clinical significance of this alteration remains unclear.